The following is an entry in ClinVar:

NM_007294.4(BRCA1):c.67_68insC (p.Glu23fs)

Gene: BRCA1 (BRCA1 DNA repair associated; minus strand). Cytogenetic location: 17q21.31.
Variant type: Insertion.
Coding change: c.67_68insC on transcript NM_007294.4 (MANE Select); coding-DNA positions 67 to 68, C inserted.
Protein change: p.Glu23fs; shifts the reading frame from glutamic acid 23.
Molecular consequence: frameshift variant. On other transcripts: 5 prime UTR variant (1), non-coding transcript variant (1).
Genome position: GRCh38 VCF-style: chr17-43124029-T-TG. GRCh37 (hg19) VCF-style: chr17-41276046-T-TG.
Other names: c.67_68insC, p.Glu23Alafs (NM_001408416.1, NM_001408418.1, NM_001408419.1 and 191 more transcripts); c.-194_-193insC (NM_001408452.1, NM_001408462.1, NM_001408463.1 and 22 more transcripts); c.-21_-20insC (NM_001408454.1, NM_001408459.1, NM_001408460.1 and 23 more transcripts); c.-191_-190insC (NM_001408455.1, NM_001408456.1, NM_001408468.1 and 11 more transcripts); c.-195_-194insC (NM_001408465.1, NM_001407695.1); c.-122_-121insC (NM_001408478.1, NM_001408479.1, NM_001408480.1 and 46 more transcripts); c.-267_-266insC (NM_001408482.1); c.-238_-237insC (NM_001408492.1, NM_001407889.1); and 9 more; short protein forms E23fs.
Identifiers: ClinVar variation 548217 (VCV000548217.2), dbSNP rs1555600897, ClinGen allele CA658823845.

ClinVar aggregate classification (germline): Pathogenic (3 of 4 stars; one submission).

Conditions:
Breast-ovarian cancer, familial, susceptibility to, 1 (BROVCA1). Also called: BRCA1 Hereditary Breast and Ovarian Cancer; OVARIAN CANCER, SUSCEPTIBILITY TO. Identifiers: Orphanet 145, MedGen C2676676, MONDO:0011450, OMIM 604370. Disease mechanism: loss of function.

Submission:

Evidence-based Network for the Interpretation of Germline Mutant Alleles (ENIGMA)
Classification: Pathogenic for Breast-ovarian cancer, familial, susceptibility to, 1. Last evaluated: 2017-12-15. Review status: reviewed by expert panel. Criteria: ENIGMA BRCA1/2 Classification Criteria (2017-06-29). Collection method: curation. Allele origin: germline. Study: ENIGMA.
Comment: Variant allele predicted to encode a truncated non-functional protein.